The following is an entry in ClinVar:

NM_001754.5(RUNX1):c.582A>C (p.Lys194Asn)

Genes: RUNX1 (RUNX family transcription factor 1; minus strand), RUNX1-AS1 (RUNX1 antisense RNA 1; plus strand). Cytogenetic location: 21q22.12.
Variant type: single nucleotide variant.
Coding change: c.582A>C on transcript NM_001754.5 (MANE Select); coding-DNA position 582, A replaced by C.
Protein change: p.Lys194Asn; replaces lysine 194 with asparagine.
Molecular consequence: missense variant.
Genome position (GRCh38, 1-based): chr21:34,859,505, T>G on the plus strand (A>C on the coding strand, the complement: RUNX1 is on the minus strand). VCF-style: chr21-34859505-T-G. GRCh37 (hg19) VCF-style: chr21-36231802-T-G.
Other names: NM_001754.4(RUNX1):c.582A>C; p.Lys194Asn; NM_001754.5(RUNX1):c.582A>C; c.501A>C, p.Lys167Asn (NM_001001890.3, NM_001122607.2); short protein forms K194N, K167N.
Identifiers: ClinVar variation 561250 (VCV000561250.5), dbSNP rs1569061799, ClinGen allele CA410207998.
Genomic context (GRCh38, chr21:34,859,505, plus strand): 5'-GTGTACCAGCCCCAAGTGGATGCACTTACTTCGAGGTTCTCGGGGCCCATCCACTGTGAT[T>G]TTGATGGCTCTGTGGTAGGTGGCGACTTGCGGTGGGTTTGTGAAGACAGTGATGGTCAGA-3'
Protein context (NP_001745.2, residues 184-204): PQVATYHRAI[Lys194Asn]ITVDGPREPR

ClinVar aggregate classification (germline): Likely pathogenic. Review status: reviewed by expert panel (3 of 4 stars). 2 submissions from 2 submitters: Likely pathogenic (1). 1 of the submissions does not count toward it. Last evaluated 2026-04-29.

Conditions:
Hereditary thrombocytopenia and hematologic cancer predisposition syndrome. Identifiers: Orphanet 71290, MedGen CN281654, MONDO:0011071.

Submissions (2):

ClinGen Myeloid Malignancy Variant Curation Expert Panel
Classification: Likely pathogenic for Hereditary thrombocytopenia and hematologic cancer predisposition syndrome. Last evaluated: 2026-04-29. Review status: reviewed by expert panel. Criteria: ClinGen MyeloMalig ACMG Specifications V3.1. Collection method: curation. Allele origin: germline. Inheritance: Autosomal dominant inheritance.
Comment: NM_001754.5(RUNX1):c.582A>C (p.Lys194Asn) is a missense variant which affects one of the hotspot residues (K194) in the RHD (PM1_strong). This variant has been reported in one proband meeting at least one of the RUNX1-phenotypic criteria (PS4_supporting; PMIDs: 27210295, 28659335, 31309983) and is completely absent from all population databases with at least 20x coverage for RUNX1 (PM2_supporting). In summary, this variant meets criteria to be classified as likely pathogenic. ACMG/AMP criteria applied, as specified by the Myeloid Malignancy Variant Curation Expert Panel for RUNX1: PM1_strong, PS4_supporting, PM2_supporting.

PreventionGenetics, part of Exact Sciences
Classification: Uncertain significance. Last evaluated: 2016-03-22. Review status: criteria provided, single submitter. Criteria: ACMG Guidelines, 2015. Collection method: clinical testing. Allele origin: germline. Not counted in ClinVar's aggregate classification.